The following is an entry in ClinVar:

ClinVar aggregate classification (germline): Likely pathogenic. Review status: criteria provided, single submitter (1 of 4 stars). 2 submissions from 2 submitters: Likely pathogenic (1). 1 of the submissions does not count toward it. Last evaluated 2017-12-17.

Conditions:
Familial cancer of breast. Also called: BREAST CANCER, FAMILIAL; Hereditary breast cancer; hereditary breast carcinoma. Identifiers: Orphanet 227535, MedGen C0346153, MONDO:0016419, OMIM 114480. Disease mechanism: loss of function.

Submissions (2):

Labcorp Genetics (formerly Invitae), Labcorp
Classification: Likely pathogenic for Familial cancer of breast. Last evaluated: 2017-12-17. Review status: criteria provided, single submitter. Criteria: Invitae Variant Classification Sherloc (09022015). Collection method: clinical testing. Allele origin: germline.
Comment: In summary, the currently available evidence indicates that the variant is pathogenic, but additional data are needed to prove that conclusively. Therefore, this variant has been classified as Likely Pathogenic. This variant disrupts approximately 47% of the BRCT functional domain, which is encoded by amino acids 602-777. The entire BRCT domain is known to be required for chromosome stability and homology-directed repair of BARD1 protein (PMID: 17848578). This sequence change results in a premature translational stop signal in the BARD1 gene (p.Gly700Alafs*14). While this is not anticipated to result in nonsense mediated decay, it is expected to disrupt the last 78 amino acids of the BARD1 protein. This variant is not present in population databases (ExAC no frequency). This variant has not been reported in the literature in individuals with BARD1-related disease.

Cancer Genetics Service, National Cancer Centre Singapore
Classification: Likely pathogenic for Familial cancer of breast. Last evaluated: 2019-05-01. Review status: no assertion criteria provided. Collection method: clinical testing, in vitro. Allele origin: germline. Affected: yes. Not counted in ClinVar's aggregate classification.

Literature cited by the submitters: PubMed 17848578 (cited by Labcorp Genetics (formerly Invitae), Labcorp).

NM_000465.4(BARD1):c.2099del (p.Gly700fs)

Gene: BARD1 (BRCA1 associated RING domain 1; minus strand). Cytogenetic location: 2q35.
Variant type: Deletion.
Coding change: c.2099del on transcript NM_000465.4 (MANE Select); coding-DNA position 2099, one base deleted (G; older notation c.2099delG).
Protein change: p.Gly700fs; shifts the reading frame from glycine 700.
Molecular consequence: frameshift variant. On other transcripts: non-coding transcript variant (3).
Genome position (GRCh38, 1-based): chr2:214,728,911, C deleted on the plus strand (G on the coding strand, the reverse complement: BARD1 is on the minus strand); the first of 5 consecutive C bases (chr2:214,728,911-214,728,915); deleting any one gives the same sequence. VCF-style (leftmost placement, unchanged base first): chr2-214728910-GC-G. GRCh37 (hg19) VCF-style: chr2-215593634-GC-G.
Other names: c.2042del, p.Gly681fs (NM_001282543.2); c.746del, p.Gly249fs (NM_001282545.2); c.689del, p.Gly230fs (NM_001282548.2); c.560del, p.Gly187fs (NM_001282549.2); short protein forms G187fs, G230fs, G249fs, G681fs, G700fs.
Identifiers: ClinVar variation 530114 (VCV000530114.12), dbSNP rs1553612184, ClinGen allele CA658796159.